The following is an entry in ClinVar:

NM_000038.6(APC):c.*467A>G

Gene: APC (APC regulator of WNT signaling pathway; plus strand). Cytogenetic location: 5q22.2.
Variant type: single nucleotide variant.
Coding change: c.*467A>G on transcript NM_000038.6 (MANE Select); 467 bases downstream of the stop codon, A replaced by G.
Molecular consequence: 3 prime UTR variant.
Genome position (GRCh38, 1-based): chr5:112,844,593, A>G. VCF-style: chr5-112844593-A-G. GRCh37 (hg19) VCF-style: chr5-112180290-A-G.
Other names: c.*467A>G (NM_001127510.3, NM_001127511.3, NM_001354895.2 and 11 more transcripts).
Identifiers: ClinVar variation 83258 (VCV000083258.2), dbSNP rs74503138, ClinGen allele CA009688.

ClinVar aggregate classification (germline): other (0 of 4 stars; one submission).

Conditions:
Familial colorectal cancer. Identifiers: MedGen CN280943, MONDO:0023113. Disease mechanism: loss of function.

Submission:

Systems Biology Platform Zhejiang California International NanoSystems Institute
Classification: other for Familial colorectal cancer. Review status: no assertion criteria provided. Collection method: not provided. Allele origin: unknown.
ClinVar note: Converted during submission from cancer to other.